The following is an entry in ClinVar:

NM_004484.4(GPC3):c.701A>G (p.Asn234Ser)

Gene: GPC3 (glypican 3; minus strand). Cytogenetic location: Xq26.2.
Variant type: single nucleotide variant.
Coding change: c.701A>G on transcript NM_004484.4 (MANE Select); coding-DNA position 701, A replaced by G.
Protein change: p.Asn234Ser; replaces asparagine 234 with serine.
Molecular consequence: missense variant.
Genome position (GRCh38, 1-based): chrX:133,753,813, T>C on the plus strand (A>G on the coding strand, the complement: GPC3 is on the minus strand). VCF-style: chrX-133753813-T-C. GRCh37 (hg19) VCF-style: chrX-132887840-T-C.
Other names: c.701A>G, p.Asn234Ser (NM_001164617.2); c.653A>G, p.Asn218Ser (NM_001164618.2); c.539A>G, p.Asn180Ser (NM_001164619.2); short protein forms N180S, N218S, N234S.
Identifiers: ClinVar variation 2839099 (VCV002839099.3), dbSNP rs2124480291, ClinGen allele CA414706050.
Genomic context (GRCh38, chrX:133,753,813, plus strand): 5'-CGGCCACAGTCCTTACTGAACTTCAGGTGATCAGTTGTGTTGATCACTTCAATTCCAAGA[T>C]TCAGAGCCTGAAGGAAGATCCTAGTGACTTGCAGTGACTTGGAAACCTGGGTCATAATAA-3'
Protein context (NP_004475.1, residues 224-244): QVTRIFLQAL[Asn234Ser]LGIEVINTTD

ClinVar aggregate classification (germline): Uncertain significance (1 of 4 stars; one submission).

Conditions:
Wilms tumor 1 (WT1). Also called: Wilms tumor, somatic. Identifiers: Orphanet 654, MedGen CN033288, MONDO:0008679, OMIM 194070.

Submission:

Labcorp Genetics (formerly Invitae), Labcorp
Classification: Uncertain significance for Wilms tumor 1. Last evaluated: 2023-02-20. Review status: criteria provided, single submitter. Criteria: Invitae Variant Classification Sherloc (09022015). Collection method: clinical testing. Allele origin: germline.
Comment: In summary, the available evidence is currently insufficient to determine the role of this variant in disease. Therefore, it has been classified as a Variant of Uncertain Significance. Advanced modeling of protein sequence and biophysical properties (such as structural, functional, and spatial information, amino acid conservation, physicochemical variation, residue mobility, and thermodynamic stability) has been performed at Invitae for this missense variant, however the output from this modeling did not meet the statistical confidence thresholds required to predict the impact of this variant on GPC3 protein function. This variant has not been reported in the literature in individuals affected with GPC3-related conditions. This variant is not present in population databases (gnomAD no frequency). This sequence change replaces asparagine, which is neutral and polar, with serine, which is neutral and polar, at codon 234 of the GPC3 protein (p.Asn234Ser).